The following is an entry in ClinVar:

ClinVar aggregate classification (germline): Conflicting classifications of pathogenicity. Review status: criteria provided, conflicting classifications (1 of 4 stars). 5 submissions from 5 submitters: Uncertain significance (2); Benign (1); Likely benign (2). Last evaluated 2025-12-28.

Conditions:
Inborn genetic diseases. Identifiers: MedGen C0950123, MeSH D030342.
Neurodevelopmental disorder with hypotonia, stereotypic hand movements, and impaired language. Also called: Intellectual disability, autosomal dominant 20. Identifiers: Orphanet 228384, Orphanet 664410, MedGen C3150700, MONDO:0013266, OMIM 613443.

Allele frequency attached by ClinVar (database versions not stated): gnomAD exomes below 0.00001 and 0.00002; ExAC 0.00002; gnomAD 0.00007 and 0.00010; TOPMed 0.00008.
gnomAD v4.1: 16 of 1,613,816 alleles (0.00099%); highest among the groups gnomAD compares: African/African-American, 0.021%; no homozygotes.

Submissions (5):

Labcorp Genetics (formerly Invitae), Labcorp
Classification: Benign for Neurodevelopmental disorder with hypotonia, stereotypic hand movements, and impaired language. Last evaluated: 2025-12-28. Review status: criteria provided, single submitter. Criteria: Invitae Variant Classification Sherloc (09022015). Collection method: clinical testing. Allele origin: germline.

CeGaT Center for Human Genetics Tuebingen
Classification: Likely benign. Last evaluated: 2024-11-01. Review status: criteria provided, single submitter. Criteria: CeGaT Center For Human Genetics Tuebingen Variant Classification Criteria Version 2. Collection method: clinical testing. Allele origin: germline. Affected: yes. Observed: 1 variant allele.
Comment: MEF2C: PP2, BS1

Ambry Genetics
Classification: Likely benign for Inborn genetic diseases. Last evaluated: 2024-05-14. Review status: criteria provided, single submitter. Criteria: Ambry Variant Classification Scheme 2023. Collection method: clinical testing. Allele origin: germline.

Eurofins Ntd Llc (ga)
Classification: Uncertain significance. Last evaluated: 2015-08-04. Review status: criteria provided, single submitter. Criteria: EGL Classification Definitions 2015. Collection method: clinical testing. Allele origin: germline. Observed: 1 variant allele, 1 heterozygote.

Genetic Services Laboratory, University of Chicago
Classification: Uncertain significance. Last evaluated: 2015-05-26. Review status: criteria provided, single submitter. Criteria: ACMG Guidelines, 2015. Collection method: clinical testing. Allele origin: germline.

NM_002397.5(MEF2C):c.1207A>G (p.Thr403Ala)

Genes: MEF2C (myocyte enhancer factor 2C; minus strand), MEF2C-AS2 (MEF2C antisense RNA 2; plus strand). Cytogenetic location: 5q14.3.
Variant type: single nucleotide variant.
Coding change: c.1207A>G on transcript NM_002397.5 (MANE Select); coding-DNA position 1207, A replaced by G.
Protein change: p.Thr403Ala; replaces threonine 403 with alanine.
Molecular consequence: missense variant. On other transcripts: non-coding transcript variant (1).
Genome position (GRCh38, 1-based): chr5:88,722,819, T>C on the plus strand (A>G on the coding strand, the complement: MEF2C is on the minus strand). VCF-style: chr5-88722819-T-C. GRCh37 (hg19) VCF-style: chr5-88018636-T-C.
Other names: c.1111A>G, p.Thr371Ala (NM_001363581.2, NM_001364334.2, NM_001364335.2 and 2 more transcripts); c.1207A>G, p.Thr403Ala (NM_001364329.2, NM_001364330.2, NM_001364331.2 and 1 more transcripts); c.967A>G, p.Thr323Ala (NM_001364332.2, NM_001193349.3); c.1183A>G, p.Thr395Ala (NM_001364333.2, NM_001308002.3); c.1109A>G, p.His370Arg (NM_001364347.2, NM_001364345.2, NM_001364346.2); c.1085A>G, p.His362Arg (NM_001364348.2, NM_001364349.2, NM_001364350.2); c.1079A>G, p.His360Arg (NM_001364352.2); c.829A>G, p.Thr277Ala (NM_001364353.2); and 10 more; short protein forms T393A, T403A, H322R, T221A, T355A, T363A, T371A, T413A.
Identifiers: ClinVar variation 211493 (VCV000211493.32), dbSNP rs753002290, ClinGen allele CA208800.